The following is an entry in ClinVar:

NM_000038.6(APC):c.4549C>T (p.Gln1517Ter)

Gene: APC (APC regulator of Wnt signaling pathway; plus strand). Cytogenetic location: 5q22.2.
Variant type: single nucleotide variant.
Coding change: c.4549C>T on transcript NM_000038.6 (MANE Select); coding-DNA position 4549, C replaced by T.
Protein change: p.Gln1517Ter; replaces glutamine 1517 with a stop codon.
Molecular consequence: nonsense.
Genome position (GRCh38, 1-based): chr5:112,840,143, C>T. VCF-style: chr5-112840143-C-T. GRCh37 (hg19) VCF-style: chr5-112175840-C-T.
Other names: c.4549C>T, p.Gln1517Ter (NM_001127510.3, NM_001354895.2); c.4495C>T, p.Gln1499Ter (NM_001127511.3); c.4603C>T, p.Gln1535Ter (NM_001354896.2); c.4579C>T, p.Gln1527Ter (NM_001354897.2); c.4474C>T, p.Gln1492Ter (NM_001354898.2); c.4465C>T, p.Gln1489Ter (NM_001354899.2); c.4426C>T, p.Gln1476Ter (NM_001354900.2); c.4372C>T, p.Gln1458Ter (NM_001354901.2); and 5 more; short protein forms Q1499*, Q1517*, Q1357*, Q1426*, Q1492*, Q1527*, Q1535*, Q1489*.
Identifiers: ClinVar variation 428157 (VCV000428157.25), dbSNP rs1114167596, ClinGen allele CA16031287.

ClinVar aggregate classification (germline): Pathogenic. Review status: criteria provided, multiple submitters, no conflicts (2 of 4 stars). 4 submissions from 4 submitters: Pathogenic (3). 1 of the submissions does not count toward it. Last evaluated 2023-05-11.

Conditions:
Gastric cancer. Also called: Malignant tumor of stomach; Stomach cancer. Identifiers: MedGen C0024623, MeSH D013274, MONDO:0001056, OMIM 613659, HP:0012126.
Hereditary cancer-predisposing syndrome. Also called: Neoplastic Syndromes, Hereditary; Hereditary Cancer Syndrome; Hereditary neoplastic syndrome; Tumor predisposition. Identifiers: Orphanet 140162, MedGen C0027672, MeSH D009386, MONDO:0015356.
Familial adenomatous polyposis 1 (FAP1). Also called: FAMILIAL ADENOMATOUS POLYPOSIS 1, ATTENUATED; POLYPOSIS, ADENOMATOUS INTESTINAL. Identifiers: MedGen C2713442, MONDO:0021056, OMIM 175100. Disease mechanism: loss of function.

Submissions (4):

Myriad Genetics, Inc.
Classification: Pathogenic for Familial adenomatous polyposis 1. Last evaluated: 2023-05-11. Review status: criteria provided, single submitter. Criteria: Myriad Autosomal Dominant, Autosomal Recessive and X-Linked Classification Criteria (2023). Collection method: clinical testing. Allele origin: unknown.
Comment: This variant is considered pathogenic. This variant creates a termination codon and is predicted to result in premature protein truncation.

Department of Molecular Diagnostics, Institute of Oncology Ljubljana
Classification: Pathogenic for Familial adenomatous polyposis 1. Last evaluated: 2020-04-02. Review status: criteria provided, single submitter. Criteria: ACMG Guidelines, 2015. Collection method: clinical testing. Allele origin: germline. Affected: yes.

Ambry Genetics
Classification: Pathogenic for Hereditary cancer-predisposing syndrome. Last evaluated: 2016-06-01. Review status: criteria provided, single submitter. Criteria: Ambry Variant Classification Scheme 2023. Collection method: clinical testing. Allele origin: germline.
Comment: The p.Q1517* pathogenic mutation (also known as c.4549C>T), located in coding exon 15 of the APC gene, results from a C to T substitution at nucleotide position 4549. This changes the amino acid from a glutamine to a stop codon within coding exon 15. This mutation has previously been reported in an individual diagnosed with familial adenomatous polyposis (FAP) (Friedl W, Gut 2001 Apr; 48(4):515-21). In addition to the clinical data presented in the literature, since premature stop codons are typically deleterious in nature, this alteration is interpreted as a disease-causing mutation (ACMG Recommendations for Standards for Interpretation and Reporting of Sequence Variations. Revision 2007. Genet Med. 2008;10:294).

Laboratory for Genotyping Development, RIKEN
Classification: Pathogenic for Gastric cancer. Last evaluated: 2021-07-01. Review status: no assertion criteria provided. Collection method: research. Allele origin: germline. Not counted in ClinVar's aggregate classification.

Literature cited by the submitters: PubMed 11247896 (cited by Ambry Genetics); PubMed 36988593 (cited by Laboratory for Genotyping Development, RIKEN).